The following is an entry in ClinVar:

ClinVar aggregate classification (germline): Benign/Likely benign. Review status: criteria provided, multiple submitters, no conflicts (2 of 4 stars). 6 submissions from 6 submitters: Benign (5); Likely benign (1). Last evaluated 2026-02-03.

Conditions:
Rothmund-Thomson syndrome type 2 (RTS2). Identifiers: Orphanet 221016, MedGen C5203410, MONDO:0016369, OMIM 268400.
Baller-Gerold syndrome (BGS). Also called: CRANIOSYNOSTOSIS WITH RADIAL DEFECTS. Identifiers: Orphanet 1225, MedGen C0265308, MONDO:0009039, OMIM 218600.

Allele frequency attached by ClinVar (database versions not stated): ESP Exome Variant Server 0.00293; 1000 Genomes Project 30x 0.00328; 1000 Genomes Project 0.00339; TOPMed 0.00418.

Submissions (6):

Labcorp Genetics (formerly Invitae), Labcorp
Classification: Benign for Baller-Gerold syndrome. Last evaluated: 2026-02-03. Review status: criteria provided, single submitter. Criteria: Invitae Variant Classification Sherloc (09022015). Collection method: clinical testing. Allele origin: germline.

Blueprint Genetics
Classification: Likely benign. Last evaluated: 2024-11-25. Review status: criteria provided, single submitter. Criteria: ACMG Guidelines, 2015. Collection method: clinical testing. Allele origin: germline.

KCCC/NGS Laboratory, Kuwait Cancer Control Center
Classification: Benign for Rothmund-Thomson syndrome type 2. Last evaluated: 2023-07-07. Review status: criteria provided, single submitter. Criteria: ACMG Guidelines, 2015. Collection method: clinical testing. Allele origin: germline. Affected: yes.

CeGaT Center for Human Genetics Tuebingen
Classification: Benign. Last evaluated: 2022-12-01. Review status: criteria provided, single submitter. Criteria: CeGaT Center For Human Genetics Tuebingen Variant Classification Criteria Version 2. Collection method: clinical testing. Allele origin: germline. Affected: yes. Observed: 1 variant allele.
Comment: RECQL4: BS1, BS2

Genetic Services Laboratory, University of Chicago
Classification: Benign. Last evaluated: 2021-10-19. Review status: criteria provided, single submitter. Criteria: ACMG Guidelines, 2015. Collection method: clinical testing. Allele origin: germline. Affected: no.

GeneDx
Classification: Benign. Last evaluated: 2020-09-04. Review status: criteria provided, single submitter. Criteria: GeneDx Variant Classification Process June 2021. Collection method: clinical testing. Allele origin: germline. Affected: yes.

NM_004260.4(RECQL4):c.2601C>G (p.Ala867=)

Gene: RECQL4 (RecQ like helicase 4; minus strand). Cytogenetic location: 8q24.3.
Variant type: single nucleotide variant.
Coding change: c.2601C>G on transcript NM_004260.4 (MANE Select); coding-DNA position 2601, C replaced by G.
Protein change: p.Ala867=; no amino-acid change (alanine 867 retained).
Molecular consequence: synonymous variant.
Genome position (GRCh38, 1-based): chr8:144,513,001, G>C on the plus strand (C>G on the coding strand, the complement: RECQL4 is on the minus strand). VCF-style: chr8-144513001-G-C. GRCh37 (hg19) VCF-style: chr8-145738384-G-C.
Identifiers: ClinVar variation 239742 (VCV000239742.47), dbSNP rs34358597, ClinGen allele CA4948173.